The following is an entry in ClinVar:

ClinVar aggregate classification (germline): Uncertain significance. Review status: criteria provided, multiple submitters, no conflicts (2 of 4 stars). 5 submissions from 5 submitters: Uncertain significance (5). Last evaluated 2026-08-03.

Conditions:
OTOA-related disorder. Also called: OTOA-related condition.

Allele frequency attached by ClinVar (database versions not stated): ExAC 0.00003; gnomAD exomes 0.00003; ESP Exome Variant Server 0.00015; gnomAD 0.00027 and 0.00029; TOPMed 0.00029.
gnomAD v4.1: 73 of 1,614,070 alleles (0.0045%); highest among the groups gnomAD compares: African/African-American, 0.096%; no homozygotes.

Submissions (5):

PreventionGenetics, part of Exact Sciences
Classification: Uncertain significance for OTOA-related condition. Last evaluated: 2026-08-03. Review status: criteria provided, single submitter. Criteria: ACMG Guidelines, 2015. Collection method: clinical testing. Allele origin: germline.
Comment: The OTOA c.1728T>G variant is predicted to result in the amino acid substitution p.Ile576Met. This variant was reported in trans to an OTOA whole gene deletion in an individual with hearing loss (as p.Ile497Met in Table S3, Sloan-Heggen et al. 2016. PubMed ID: 26969326) as well as two additional apparently unrelated individuals with hearing loss (Internal data, PreventionGenetics). This variant is reported in 0.060% of alleles in individuals of African descent in gnomAD. An alternate substitution at the same amino acid position (p.Ile576Thr) has been reported in the homozygous state in two patients with hearing loss (Table S2, Abolhassani et al. 2024. PubMed ID: 38374194). Although we suspect that this variant may be pathogenic, at this time, the clinical significance of this variant is uncertain due to the absence of conclusive functional and genetic evidence.

GeneDx
Classification: Uncertain significance. Last evaluated: 2025-08-07. Review status: criteria provided, single submitter. Criteria: GeneDx Variant Classification Process June 2021. Collection method: clinical testing. Allele origin: germline. Affected: yes.
Comment: In silico analysis suggests that this missense variant does not alter protein structure/function; This variant is associated with the following publications: (PMID: 31527525, 26969326)

Women's Health and Genetics/Laboratory Corporation of America, LabCorp
Classification: Uncertain significance. Last evaluated: 2024-09-03. Review status: criteria provided, single submitter. Criteria: LabCorp Variant Classification Summary - May 2015. Collection method: clinical testing. Allele origin: germline.
Comment: Variant summary: OTOA c.1728T>G (p.Ile576Met) results in a conservative amino acid change in the encoded protein sequence. Three of five in-silico tools predict a damaging effect of the variant on protein function. The variant allele was found at a frequency of 2.8e-05 in 251436 control chromosomes. The available data on variant occurrences in the general population are insufficient to allow any conclusion about variant significance. c.1728T>G has been reported in the literature in at least one compound heterozygous individual affected with Autosomal Recessive Nonsyndromic Hearing Loss 22 (Sloan-Heggen_2016). These data do not allow any conclusion about variant significance. To our knowledge, no experimental evidence demonstrating an impact on protein function has been reported. The following publication has been ascertained in the context of this evaluation (PMID: 26969326). ClinVar contains an entry for this variant (Variation ID: 1327741). Based on the evidence outlined above, the variant was classified as uncertain significance.

CeGaT Center for Human Genetics Tuebingen
Classification: Uncertain significance. Last evaluated: 2023-09-01. Review status: criteria provided, single submitter. Criteria: CeGaT Center For Human Genetics Tuebingen Variant Classification Criteria Version 2. Collection method: clinical testing. Allele origin: germline. Affected: yes. Observed: 2 variant alleles.
Comment: OTOA: PM2, PM3

Labcorp Genetics (formerly Invitae), Labcorp
Classification: Uncertain significance. Last evaluated: 2021-12-27. Review status: criteria provided, single submitter. Criteria: Invitae Variant Classification Sherloc (09022015). Collection method: clinical testing. Allele origin: germline.
Comment: This sequence change replaces isoleucine, which is neutral and non-polar, with methionine, which is neutral and non-polar, at codon 576 of the OTOA protein (p.Ile576Met). This variant is present in population databases (rs138853464, gnomAD 0.06%). This missense change has been observed in individuals with deafness (PMID: 26969326; Invitae). This variant is also known as c.1491T>G (p.Ile497Met). Algorithms developed to predict the effect of missense changes on protein structure and function are either unavailable or do not agree on the potential impact of this missense change (SIFT: "Deleterious"; PolyPhen-2: "Probably Damaging"; Align-GVGD: "Class C0"). In summary, the available evidence is currently insufficient to determine the role of this variant in disease. Therefore, it has been classified as a Variant of Uncertain Significance.

Literature cited by the submitters: PubMed 26969326 (cited by Women's Health and Genetics/Laboratory Corporation of America, LabCorp and Labcorp Genetics (formerly Invitae), Labcorp).

NM_144672.4(OTOA):c.1728T>G (p.Ile576Met)

Gene: OTOA (otoancorin). Cytogenetic location: 16p12.2.
Variant type: single nucleotide variant.
Coding change: c.1728T>G on transcript NM_144672.4 (MANE Select); coding-DNA position 1728, T replaced by G.
Protein change: p.Ile576Met; replaces isoleucine 576 with methionine.
Molecular consequence: missense variant.
Genome position (GRCh38, 1-based): chr16:21,719,426, T>G. VCF-style: chr16-21719426-T-G. GRCh37 (hg19) VCF-style: chr16-21730747-T-G.
Other names: c.1491T>G, p.Ile497Met (NM_001161683.2); c.756T>G, p.Ile252Met (NM_170664.3); short protein forms I252M, I497M, I576M.
Identifiers: ClinVar variation 1327741 (VCV001327741.32), dbSNP rs138853464, ClinGen allele CA7952753.